The following is an entry in ClinVar:

NM_014363.6(SACS):c.789C>T (p.Asn263=)

Gene: SACS (sacsin molecular chaperone; minus strand). Cytogenetic location: 13q12.12.
Variant type: single nucleotide variant.
Coding change: c.789C>T on transcript NM_014363.6 (MANE Select); coding-DNA position 789, C replaced by T.
Protein change: p.Asn263=; no amino-acid change (asparagine 263 retained).
Molecular consequence: synonymous variant.
Genome position (GRCh38, 1-based): chr13:23,355,823, G>A on the plus strand (C>T on the coding strand, the complement: SACS is on the minus strand). VCF-style: chr13-23355823-G-A. GRCh37 (hg19) VCF-style: chr13-23929962-G-A.
Other names: c.348C>T, p.Asn116= (NM_001278055.2).
Identifiers: ClinVar variation 448221 (VCV000448221.12), dbSNP rs771920263, ClinGen allele CA6912024.

ClinVar aggregate classification (germline): Likely benign. Review status: criteria provided, multiple submitters, no conflicts (2 of 4 stars). 3 submissions from 3 submitters: Likely benign (3). Last evaluated 2026-02-10.

Conditions:
SACS-related disorder. Also called: SACS-related condition.
Spastic paraplegia. Identifiers: MedGen C0037772, HP:0001258.

Allele frequency attached by ClinVar (database versions not stated): ExAC 0.00002; gnomAD exomes 0.00002; gnomAD 0.00003; TOPMed 0.00003.
gnomAD v4.1: 30 of 1,614,064 alleles (0.0019%); highest among the groups gnomAD compares: Admixed American, 0.0083%; no homozygotes.

Submissions (3):

PreventionGenetics, part of Exact Sciences
Classification: Likely benign for SACS-related condition. Last evaluated: 2026-02-10. Review status: criteria provided, single submitter. Criteria: ACMG Guidelines, 2015. Collection method: clinical testing. Allele origin: germline.
Comment: This variant is classified as likely benign based on ACMG/AMP sequence variant interpretation guidelines (Richards et al. 2015 PMID: 25741868, with internal and published modifications).

Labcorp Genetics (formerly Invitae), Labcorp
Classification: Likely benign for Spastic paraplegia. Last evaluated: 2026-01-28. Review status: criteria provided, single submitter. Criteria: Invitae Variant Classification Sherloc (09022015). Collection method: clinical testing. Allele origin: germline.

Athena Diagnostics
Classification: Likely benign. Last evaluated: 2017-04-28. Review status: criteria provided, single submitter. Criteria: Athena Diagnostics Criteria. Collection method: clinical testing. Allele origin: germline.